The following is an entry in ClinVar:

ClinVar aggregate classification (germline): Uncertain significance (1 of 4 stars; one submission).

Submission:

Ambry Genetics
Classification: Uncertain significance. Last evaluated: 2025-12-22. Review status: criteria provided, single submitter. Criteria: Ambry Variant Classification Scheme 2023. Collection method: clinical testing. Allele origin: germline.
Comment: The p.T1744S variant (also known as c.5230A>T), located in coding exon 22 of the WNK2 gene, results from an A to T substitution at nucleotide position 5230. The threonine at codon 1744 is replaced by serine, an amino acid with similar properties. This amino acid position is conserved. In addition, the in silico prediction for this alteration is inconclusive. Based on the available evidence, the clinical significance of this variant remains unclear.

NM_006648.4(WNK2):c.5230A>T (p.Thr1744Ser)

Gene: WNK2 (WNK lysine deficient protein kinase 2; plus strand). Cytogenetic location: 9q22.31.
Variant type: single nucleotide variant.
Coding change: c.5230A>T on transcript NM_006648.4 (MANE Select); coding-DNA position 5230, A replaced by T.
Protein change: p.Thr1744Ser; replaces threonine 1744 with serine.
Molecular consequence: missense variant.
Genome position (GRCh38, 1-based): chr9:93,292,695, A>T. VCF-style: chr9-93292695-A-T. GRCh37 (hg19) VCF-style: chr9-96054977-A-T.
Other names: c.5341A>T, p.Thr1781Ser (NM_001282394.3); short protein forms T1744S, T1781S.
Identifiers: ClinVar variation 4842093 (VCV004842093.1).